The following is an entry in ClinVar:

ClinVar aggregate classification (germline): Uncertain significance (1 of 4 stars; one submission).

Submission:

GeneDx
Classification: Uncertain significance. Last evaluated: 2026-01-15. Review status: criteria provided, single submitter. Criteria: GeneDx Variant Classification Process June 2021. Collection method: clinical testing. Allele origin: germline.
Comment: Not observed at significant frequency in large population cohorts (gnomAD); In silico analysis supports that this missense variant has a deleterious effect on protein structure/function; Has not been previously published as pathogenic or benign to our knowledge

NM_001134407.3(GRIN2A):c.4061G>T (p.Ser1354Ile)

Gene: GRIN2A (glutamate ionotropic receptor NMDA type subunit 2A; minus strand). Cytogenetic location: 16p13.2.
Variant type: single nucleotide variant.
Coding change: c.4061G>T on transcript NM_001134407.3 (MANE Select); coding-DNA position 4061, G replaced by T.
Protein change: p.Ser1354Ile; replaces serine 1354 with isoleucine.
Molecular consequence: missense variant. On other transcripts: intron variant (1).
Genome position (GRCh38, 1-based): chr16:9,763,483, C>A on the plus strand (G>T on the coding strand, the complement: GRIN2A is on the minus strand). VCF-style: chr16-9763483-C-A. GRCh37 (hg19) VCF-style: chr16-9857340-C-A.
Other names: c.4061G>T, p.Ser1354Ile (NM_000833.5); c.3773-55G>T (NM_001134408.2); short protein forms S1354I.
Identifiers: ClinVar variation 3391743 (VCV003391743.2).